The following is an entry in ClinVar:

ClinVar aggregate classification (germline): Uncertain significance (1 of 4 stars; one submission).

Submission:

Labcorp Genetics (formerly Invitae), Labcorp
Classification: Uncertain significance. Last evaluated: 2025-05-27. Review status: criteria provided, single submitter. Criteria: Invitae Variant Classification Sherloc (09022015). Collection method: clinical testing. Allele origin: germline.
Comment: This sequence change replaces aspartic acid, which is acidic and polar, with glutamic acid, which is acidic and polar, at codon 406 of the POLE protein (p.Asp406Glu). This variant is not present in population databases (gnomAD no frequency). This variant has not been reported in the literature in individuals affected with POLE-related conditions. ClinVar contains an entry for this variant (Variation ID: 2004180). Invitae Evidence Modeling of protein sequence and biophysical properties (such as structural, functional, and spatial information, amino acid conservation, physicochemical variation, residue mobility, and thermodynamic stability) indicates that this missense variant is expected to disrupt POLE protein function with a positive predictive value of 80%. In summary, the available evidence is currently insufficient to determine the role of this variant in disease. Therefore, it has been classified as a Variant of Uncertain Significance.

NM_006231.4(POLE):c.1218C>G (p.Asp406Glu)

Gene: POLE (DNA polymerase epsilon, catalytic subunit; minus strand). Cytogenetic location: 12q24.33.
Variant type: single nucleotide variant.
Coding change: c.1218C>G on transcript NM_006231.4 (MANE Select); coding-DNA position 1218, C replaced by G.
Protein change: p.Asp406Glu; replaces aspartic acid 406 with glutamic acid.
Molecular consequence: missense variant.
Genome position (GRCh38, 1-based): chr12:132,675,406, G>C on the plus strand (C>G on the coding strand, the complement: POLE is on the minus strand). VCF-style: chr12-132675406-G-C. GRCh37 (hg19) VCF-style: chr12-133251992-G-C.
Other names: short protein forms D406E.
Identifiers: ClinVar variation 2004180 (VCV002004180.4), dbSNP rs2136008368, ClinGen allele CA387360679.